The following is an entry in ClinVar:

NM_002661.5(PLCG2):c.2235+99A>G

Gene: PLCG2 (phospholipase C gamma 2; plus strand). Cytogenetic location: 16q23.3.
Variant type: single nucleotide variant.
Coding change: c.2235+99A>G on transcript NM_002661.5 (MANE Select); 99 bases into the intron after coding-DNA position 2235, A replaced by G.
Molecular consequence: intron variant.
Genome position (GRCh38, 1-based): chr16:81,919,763, A>G. VCF-style: chr16-81919763-A-G. GRCh37 (hg19) VCF-style: chr16-81953368-A-G.
Identifiers: ClinVar variation 1232084 (VCV001232084.6), dbSNP rs12448152, ClinGen allele CA285164981.

ClinVar aggregate classification (germline): Benign. Review status: criteria provided, multiple submitters, no conflicts (2 of 4 stars). 3 submissions from 3 submitters: Benign (3). Last evaluated 2023-11-02.

Allele frequency attached by ClinVar (database versions not stated): gnomAD 0.99976 and 0.99979; TOPMed 0.99983; gnomAD exomes 0.99998; 1000 Genomes Project 1.00000; 1000 Genomes Project 30x 1.00000.
gnomAD v4.1: 962,409 of 962,454 alleles (100%); highest among the groups gnomAD compares: Non-Finnish European, 100%; 481,182 homozygotes.

Submissions (3):

Unidad de Genómica Garrahan, Hospital de Pediatría Garrahan
Classification: Benign. Last evaluated: 2023-11-02. Review status: criteria provided, single submitter. Criteria: ACMG Guidelines, 2015. Collection method: clinical testing. Allele origin: germline. Affected: no. Observed: 96 variant alleles.
Comment: This variant is classified as Benign based on local population frequency. This variant was detected in 100% of patients studied by a panel of primary immunodeficiencies. Number of patients: 96. Only high quality variants are reported.

GeneDx
Classification: Benign. Last evaluated: 2021-05-14. Review status: criteria provided, single submitter. Criteria: GeneDx Variant Classification Process June 2021. Collection method: clinical testing. Allele origin: germline. Affected: yes.

Breakthrough Genomics
Classification: Benign. Review status: criteria provided, single submitter. Criteria: ACMG Guidelines, 2015. Collection method: not provided. Allele origin: germline. Inheritance: Autosomal dominant inheritance. Affected: yes.